The following is an entry in ClinVar:

ClinVar aggregate classification (germline): Uncertain significance (1 of 4 stars; one submission).

Conditions:
Ellis-van Creveld syndrome (EVC). Also called: EVC-Related Ellis-van Creveld Syndrome; EVC2-Related Ellis-van Creveld Syndrome; MESOECTODERMAL DYSPLASIA; Chondroectodermal dysplasia. Identifiers: Orphanet 289, MedGen C0013903, MONDO:0009162, OMIM 225500.
Curry-Hall syndrome (WAD). Also called: WEYERS ACRODENTAL DYSOSTOSIS. Identifiers: Orphanet 952, MedGen C0457013, MONDO:0008673, OMIM 193530.

Submission:

Labcorp Genetics (formerly Invitae), Labcorp
Classification: Uncertain significance for Curry-Hall syndrome; Ellis-van Creveld syndrome. Last evaluated: 2022-09-13. Review status: criteria provided, single submitter. Criteria: Invitae Variant Classification Sherloc (09022015). Collection method: clinical testing. Allele origin: germline.
Comment: This sequence change creates a premature translational stop signal (p.Arg1230Glnfs*35) in the EVC2 gene. While this is not anticipated to result in nonsense mediated decay, it is expected to disrupt the last 79 amino acid(s) of the EVC2 protein. This variant is not present in population databases (gnomAD no frequency). This variant has not been reported in the literature in individuals affected with EVC2-related conditions. Experimental studies and prediction algorithms are not available or were not evaluated, and the functional significance of this variant is currently unknown. Algorithms developed to predict the effect of sequence changes on RNA splicing suggest that this variant may create or strengthen a splice site. In summary, the available evidence is currently insufficient to determine the role of this variant in disease. Therefore, it has been classified as a Variant of Uncertain Significance.

NM_147127.5(EVC2):c.3687dup (p.Arg1230fs)

Gene: EVC2 (EvC ciliary complex subunit 2; minus strand). Cytogenetic location: 4p16.2.
Variant type: Duplication.
Coding change: c.3687dup on transcript NM_147127.5 (MANE Select); coding-DNA position 3687, one base duplicated (C; older notation c.3687dupC).
Protein change: p.Arg1230fs; shifts the reading frame from arginine 1230.
Molecular consequence: frameshift variant.
Genome position (GRCh38, 1-based): chr4:5,563,088, G duplicated on the plus strand (C on the coding strand, the reverse complement: EVC2 is on the minus strand). VCF-style (leftmost placement, unchanged base first): chr4-5563087-T-TG. GRCh37 (hg19) VCF-style: chr4-5564814-T-TG.
Other names: c.3447dup, p.Arg1150fs (NM_001166136.2); short protein forms R1230fs, R1150fs.
Identifiers: ClinVar variation 2021929 (VCV002021929.1), dbSNP rs2475166283, ClinGen allele CA2580070825.
Genomic context (GRCh38, chr4:5,563,087, plus strand): 5'-CAATGGGCTCCAGTGACAGGTGTGGCCAACTTCCTTTTCCAGAGAATATCATCCTCTCTC[T>TG]GAGAGGGAGACATGTCTTCTTTAATATGCTAAAGAAATAGCAAAAGATCAAATTCAATAT-3'